The following is an entry in ClinVar:

ClinVar aggregate classification (germline): Uncertain significance (1 of 4 stars; one submission).

Conditions:
Methylmalonic acidemia with homocystinuria, type cblJ (MAHCJ). Also called: METHYLMALONIC ACIDURIA AND HOMOCYSTINURIA, cblJ TYPE. Identifiers: Orphanet 369955, MedGen C3553915, MONDO:0013925, OMIM 614857.

Allele frequency attached by ClinVar (database versions not stated): 1000 Genomes Project 30x 0.00016; 1000 Genomes Project 0.00020.
gnomAD v4.1: 4 of 1,613,938 alleles (0.00025%); highest among the groups gnomAD compares: East Asian, 0.0022%; no homozygotes.

Submission:

Labcorp Genetics (formerly Invitae), Labcorp
Classification: Uncertain significance for Methylmalonic acidemia with homocystinuria, type cblJ. Last evaluated: 2024-10-28. Review status: criteria provided, single submitter. Criteria: Invitae Variant Classification Sherloc (09022015). Collection method: clinical testing. Allele origin: germline.
Comment: This sequence change replaces arginine, which is basic and polar, with leucine, which is neutral and non-polar, at codon 145 of the ABCD4 protein (p.Arg145Leu). This variant is not present in population databases (gnomAD no frequency). This variant has not been reported in the literature in individuals affected with ABCD4-related conditions. ClinVar contains an entry for this variant (Variation ID: 1492716). Invitae Evidence Modeling of protein sequence and biophysical properties (such as structural, functional, and spatial information, amino acid conservation, physicochemical variation, residue mobility, and thermodynamic stability) indicates that this missense variant is expected to disrupt ABCD4 protein function with a positive predictive value of 95%. In summary, the available evidence is currently insufficient to determine the role of this variant in disease. Therefore, it has been classified as a Variant of Uncertain Significance.

NM_005050.4(ABCD4):c.434G>T (p.Arg145Leu)

Gene: ABCD4 (ATP binding cassette subfamily D member 4; minus strand). Cytogenetic location: 14q24.3.
Variant type: single nucleotide variant.
Coding change: c.434G>T on transcript NM_005050.4 (MANE Select); coding-DNA position 434, G replaced by T.
Protein change: p.Arg145Leu; replaces arginine 145 with leucine.
Molecular consequence: missense variant. On other transcripts: 5 prime UTR variant (14), non-coding transcript variant (10).
Genome position (GRCh38, 1-based): chr14:74,296,441, C>A on the plus strand (G>T on the coding strand, the complement: ABCD4 is on the minus strand). VCF-style: chr14-74296441-C-A. GRCh37 (hg19) VCF-style: chr14-74763144-C-A.
Other names: c.434G>T, p.Arg145Leu (NM_001353591.2, NM_001353592.2, NM_020325.3); c.173G>T, p.Arg58Leu (NM_001353593.2, NM_001353594.2); c.25G>T, p.Ala9Ser (NM_001353595.2, NM_001353596.2, NM_001353597.2); c.-44G>T (NM_001353598.2, NM_001353599.2, NM_001353600.2 and 2 more transcripts); c.-256G>T (NM_001353602.2, NM_001353608.2); c.-261G>T (NM_001353603.2, NM_001353604.2, NM_001353605.2 and 4 more transcripts); short protein forms A9S, R145L, R58L.
Identifiers: ClinVar variation 1492716 (VCV001492716.8), dbSNP rs150967109, ClinGen allele CA263575218.
Genomic context (GRCh38, chr14:74,296,441, plus strand): 5'-ATGAGCTTGCTGGCCATGCTGCTGAGCTGCCGGCAGAATCGCTCCACGTCCTGGCTGATG[C>A]GCTGGTCCCTGGAGCCAATGACACAGAGTAGCTGGACCCAGGGAGATGGGCCCAAAGGTA-3'
Protein context (NP_005041.1, residues 135-155): LRDDIDNPDQ[Arg145Leu]ISQDVERFCR